The following is an entry in ClinVar:

NM_194277.3(FRMD7):c.1203T>A (p.Asp401Glu)

Gene: FRMD7 (FERM domain containing 7; minus strand). Cytogenetic location: Xq26.2.
Variant type: single nucleotide variant.
Coding change: c.1203T>A on transcript NM_194277.3 (MANE Select); coding-DNA position 1203, T replaced by A.
Protein change: p.Asp401Glu; replaces aspartic acid 401 with glutamic acid.
Molecular consequence: missense variant.
Genome position (GRCh38, 1-based): chrX:132,078,814, A>T on the plus strand (T>A on the coding strand, the complement: FRMD7 is on the minus strand). VCF-style: chrX-132078814-A-T. GRCh37 (hg19) VCF-style: chrX-131212842-A-T.
Other names: c.1158T>A, p.Asp386Glu (NM_001306193.2); short protein forms D386E, D401E.
Identifiers: ClinVar variation 1476001 (VCV001476001.6), dbSNP rs2124209649, ClinGen allele CA414679618.

ClinVar aggregate classification (germline): Uncertain significance (1 of 4 stars; one submission).

Submission:

Labcorp Genetics (formerly Invitae), Labcorp
Classification: Uncertain significance. Last evaluated: 2024-11-18. Review status: criteria provided, single submitter. Criteria: Invitae Variant Classification Sherloc (09022015). Collection method: clinical testing. Allele origin: germline.
Comment: This sequence change replaces aspartic acid, which is acidic and polar, with glutamic acid, which is acidic and polar, at codon 401 of the FRMD7 protein (p.Asp401Glu). This variant is not present in population databases (gnomAD no frequency). This variant has not been reported in the literature in individuals affected with FRMD7-related conditions. ClinVar contains an entry for this variant (Variation ID: 1476001). An algorithm developed to predict the effect of missense changes on protein structure and function outputs the following: PolyPhen-2: "Benign". The glutamic acid amino acid residue is found in multiple mammalian species, which suggests that this missense change does not adversely affect protein function. In summary, the available evidence is currently insufficient to determine the role of this variant in disease. Therefore, it has been classified as a Variant of Uncertain Significance.